The following is an entry in ClinVar:

ClinVar aggregate classification (germline): Pathogenic/Likely pathogenic. Review status: criteria provided, multiple submitters, no conflicts (2 of 4 stars). 7 submissions from 7 submitters: Pathogenic (4); Likely pathogenic (3). Last evaluated 2026-02-02.

Conditions:
Pigmentary retinal dystrophy. Also called: Fundus albipunctatus. Identifiers: Orphanet 227796, Orphanet 52427, MedGen C0311338, MONDO:0007639, OMIM 136880, HP:0030642.
RDH5-related disorder. Also called: RDH5-related condition.

Allele frequency attached by ClinVar (database versions not stated): gnomAD exomes 0.00003 and 0.00004; ExAC 0.00005; TOPMed 0.00008; gnomAD 0.00009 and 0.00010; ESP Exome Variant Server 0.00015.

Submissions (7):

Dasa
Classification: Pathogenic. Last evaluated: 2026-02-02. Review status: criteria provided, single submitter. Criteria: DASA Assertion Criteria. Collection method: clinical testing. Allele origin: germline.
Comment: NM_002905.5(RDH5):c.500G>A (p.Arg167His) is a missense variant that results in the substitution of arginine with histidine. This variant has been recurrently observed in individuals with related phenotype (PMID: 39434579; PMID: 32232344; PMID: 28393863). Multiple computational predictions support a deleterious effect on the gene or gene product. The variant is present at low frequency in population datasets. Based on the available data, this variant is classified as pathogenic.

Labcorp Genetics (formerly Invitae), Labcorp
Classification: Pathogenic. Last evaluated: 2024-07-22. Review status: criteria provided, single submitter. Criteria: Invitae Variant Classification Sherloc (09022015). Collection method: clinical testing. Allele origin: germline.
Comment: This sequence change replaces arginine, which is basic and polar, with histidine, which is basic and polar, at codon 167 of the RDH5 protein (p.Arg167His). This variant is present in population databases (rs199877211, gnomAD 0.02%). This missense change has been observed in individual(s) with clinical features of fundus albipunctatus (PMID: 12860821, 25170858, 27627638, 28393863). In at least one individual the data is consistent with being in trans (on the opposite chromosome) from a pathogenic variant. ClinVar contains an entry for this variant (Variation ID: 309814). Advanced modeling of protein sequence and biophysical properties (such as structural, functional, and spatial information, amino acid conservation, physicochemical variation, residue mobility, and thermodynamic stability) performed at Invitae indicates that this missense variant is not expected to disrupt RDH5 protein function with a negative predictive value of 80%. For these reasons, this variant has been classified as Pathogenic.

Women's Health and Genetics/Laboratory Corporation of America, LabCorp
Classification: Pathogenic for Pigmentary retinal dystrophy. Last evaluated: 2024-06-18. Review status: criteria provided, single submitter. Criteria: LabCorp Variant Classification Summary - May 2015. Collection method: clinical testing. Allele origin: germline.
Comment: Variant summary: RDH5 c.500G>A (p.Arg167His) results in a non-conservative amino acid change in the encoded protein sequence. Five of five in-silico tools predict a damaging effect of the variant on protein function. The variant allele was found at a frequency of 4.4e-05 in 248096 control chromosomes. This frequency is not significantly higher than estimated for a pathogenic variant in RDH5 causing Pigmentary retinal dystrophy, allowing no conclusion about variant significance. c.500G>A has been reported in the literature in multiple individuals affected with clinical features of Fundus Albipunctatus and related conditions (Katagiri_2020, Liu_2015, Sekiya_2003, Yang_2017, Zolnikova_2021, Kuehlewein_2017). These data indicate that the variant is very likely to be associated with disease. To our knowledge, no experimental evidence demonstrating an impact on protein function has been reported. The following publications have been ascertained in the context of this evaluation (PMID: 32232344, 25170858, 12860821, 28393863, 33610152, 27627638). ClinVar contains an entry for this variant (Variation ID: 309814). Based on the evidence outlined above, the variant was classified as pathogenic.

Blueprint Genetics
Classification: Pathogenic for RDH5-related disorders. Last evaluated: 2024-06-13. Review status: criteria provided, single submitter. Criteria: ACMG Guidelines, 2015. Collection method: clinical testing. Allele origin: germline. Affected: yes. Observed: 3 variant alleles.

3billion
Classification: Likely pathogenic for Pigmentary retinal dystrophy. Last evaluated: 2023-12-27. Review status: criteria provided, single submitter. Criteria: ACMG Guidelines, 2015. Collection method: clinical testing. Allele origin: germline. Affected: yes.
Comment: The variant is observed at an extremely low frequency in the gnomAD v2.1.1 dataset (total allele frequency: 0.004%). Predicted Consequence/Location: Missense variant In silico tool predictions suggest damaging effect of the variant on gene or gene product [REVEL: 0.79 (>=0.6, sensitivity 0.68 and specificity 0.92); 3Cnet: 0.81 (>=0.6, sensitivity 0.72 and precision 0.9)]. Same nucleotide change resulting in same amino acid change has been previously reported as pathogenic/likely pathogenic with strong evidence (ClinVar ID: VCV000309814 /PMID: 12860821). Therefore, this variant is classified as Likely pathogenic according to the recommendation of ACMG/AMP guideline.

GeneDx
Classification: Likely pathogenic. Last evaluated: 2019-12-17. Review status: criteria provided, single submitter. Criteria: GeneDx Variant Classification Process June 2021. Collection method: clinical testing. Allele origin: germline. Affected: yes.
Comment: In silico analysis, which includes protein predictors and evolutionary conservation, supports a deleterious effect; This variant is associated with the following publications: (PMID: 32232344, 31054281, 27627638, 28393863, 25170858, 16637847, 25820994, 12860821)

Juno Genomics, Hangzhou Juno Genomics, Inc
Classification: Likely pathogenic for Pigmentary retinal dystrophy. Review status: criteria provided, single submitter. Criteria: ACMG Guidelines, 2015. Collection method: clinical testing. Allele origin: germline.
Comment: Absent from controls (or at extremely low frequency if recessive) in Genome Aggregation Database.;Multiple lines of computational evidence support a deleterious effect on the gene or gene product.;For recessive disorders, detected in trans with a pathogenic variant.;Patient's phenotype or family history is highly specific for a disease with a single genetic etiology.

Literature cited by the submitters: PubMed 39434579 (cited by Dasa); PubMed 32232344 (cited by Dasa and Women's Health and Genetics/Laboratory Corporation of America, LabCorp); PubMed 28393863 (cited by 3 submitters); PubMed 12860821 (cited by 3 submitters); PubMed 25170858 (cited by Labcorp Genetics (formerly Invitae), Labcorp and Women's Health and Genetics/Laboratory Corporation of America, LabCorp); PubMed 27627638 (cited by Labcorp Genetics (formerly Invitae), Labcorp and Women's Health and Genetics/Laboratory Corporation of America, LabCorp); PubMed 33610152 (cited by Women's Health and Genetics/Laboratory Corporation of America, LabCorp).

NM_002905.5(RDH5):c.500G>A (p.Arg167His)

Genes: BLOC1S1-RDH5 (BLOC1S1-RDH5 readthrough; plus strand), RDH5 (retinol dehydrogenase 5; plus strand). Cytogenetic location: 12q13.2.
Variant type: single nucleotide variant.
Coding change: c.500G>A on transcript NM_002905.5 (MANE Select); coding-DNA position 500, G replaced by A.
Protein change: p.Arg167His; replaces arginine 167 with histidine.
Molecular consequence: missense variant. On other transcripts: non-coding transcript variant (1).
Genome position (GRCh38, 1-based): chr12:55,721,878, G>A. VCF-style: chr12-55721878-G-A. GRCh37 (hg19) VCF-style: chr12-56115662-G-A.
Other names: c.500G>A, p.Arg167His (NM_001199771.3); short protein forms R167H.
Identifiers: ClinVar variation 309814 (VCV000309814.21), dbSNP rs199877211, ClinGen allele CA6616854.